The following is an entry in ClinVar:

NC_000003.12:g.(?_128893545)_(128896546_?)del

Gene: ACAD9 (acyl-CoA dehydrogenase family member 9; plus strand). Cytogenetic location: 3q21.3.
Variant type: Deletion.
Identifiers: ClinVar variation 832867 (VCV000832867.4).

ClinVar aggregate classification (germline): Pathogenic (1 of 4 stars; one submission).

Submission:

Labcorp Genetics (formerly Invitae), Labcorp
Classification: Pathogenic. Last evaluated: 2019-12-13. Review status: criteria provided, single submitter. Criteria: Invitae Variant Classification Sherloc (09022015). Collection method: clinical testing. Allele origin: germline.
Comment: This variant is an out-of-frame deletion of the genomic region encompassing exon(s) 3-5 of the ACAD9 gene. This is expected to create a premature translational stop signal and result in an absent or disrupted protein product. This variant has not been reported in the literature in individuals with ACAD9-related conditions. Loss-of-function variants in ACAD9 are known to be pathogenic (PMID: 25721401). For these reasons, this variant has been classified as Pathogenic.

Literature cited by the submitters: PubMed 25721401.